The following is an entry in ClinVar:

NM_000127.3(EXT1):c.1284+2T>C

Gene: EXT1 (exostosin glycosyltransferase 1; minus strand). Cytogenetic location: 8q24.11.
Variant type: single nucleotide variant.
Coding change: c.1284+2T>C on transcript NM_000127.3 (MANE Select); the canonical splice donor site of the intron after coding-DNA position 1284, T replaced by C.
Molecular consequence: splice donor variant.
Genome position (GRCh38, 1-based): chr8:117,830,228, A>G on the plus strand (T>C on the coding strand, the complement: EXT1 is on the minus strand). VCF-style: chr8-117830228-A-G. GRCh37 (hg19) VCF-style: chr8-118842467-A-G.
Identifiers: ClinVar variation 3724467 (VCV003724467.2).

ClinVar aggregate classification (germline): Pathogenic (1 of 4 stars; one submission).

Conditions:
Multiple congenital exostosis (EXT). Also called: MULTIPLE CARTILAGINOUS EXOSTOSES; Multiple exostoses; Hereditary multiple osteochondromas; Hereditary multiple exostoses; Hereditary multiple exostosis; Multiple osteochondromas. Identifiers: Orphanet 321, MedGen C0015306, MONDO:0005508, HP:0002762.

Submission:

Labcorp Genetics (formerly Invitae), Labcorp
Classification: Pathogenic for Multiple congenital exostosis. Last evaluated: 2024-11-02. Review status: criteria provided, single submitter. Criteria: Invitae Variant Classification Sherloc (09022015). Collection method: clinical testing. Allele origin: germline.
Comment: This sequence change affects a donor splice site in intron 4 of the EXT1 gene. It is expected to disrupt RNA splicing. Variants that disrupt the donor or acceptor splice site typically lead to a loss of protein function (PMID: 16199547), and loss-of-function variants in EXT1 are known to be pathogenic (PMID: 10679937, 11391482, 19810120). This variant is not present in population databases (gnomAD no frequency). Disruption of this splice site has been observed in individual(s) with multiple osteochondromas (PMID: 17041877). Algorithms developed to predict the effect of sequence changes on RNA splicing suggest that this variant may disrupt the consensus splice site. For these reasons, this variant has been classified as Pathogenic.

Literature cited by the submitters: PubMed 16199547; PubMed 10679937; PubMed 11391482; PubMed 19810120; PubMed 17041877.